The following is an entry in ClinVar:

ClinVar aggregate classification (germline): Conflicting classifications of pathogenicity. Review status: criteria provided, conflicting classifications (1 of 4 stars). 10 submissions from 9 submitters: Pathogenic (1); Likely pathogenic (2); Uncertain significance (7). Last evaluated 2026-06-01.

Conditions:
Congenital multicore myopathy with external ophthalmoplegia (CMYO1B). Also called: Congenital myopathy 1B, autosomal recessive; Minicore myopathy; MULTICORE MYOPATHY; MULTIMINICORE DISEASE WITH EXTERNAL OPHTHALMOPLEGIA; Minicore myopathy with external ophthalmoplegia. Identifiers: Orphanet 598, Orphanet 98905, MedGen C1850674, MONDO:0009712, OMIM 255320, HP:0003789.
Central core myopathy (CMYO1A). Also called: CONGENITAL MYOPATHY 1A, AUTOSOMAL DOMINANT, WITH SUSCEPTIBILITY TO MALIGNANT HYPERTHERMIA; Central core disease; Myopathy, central fibrillar. Identifiers: Orphanet 597, MedGen C5830701, MONDO:0007294, OMIM 117000.
King Denborough syndrome (KDS). Identifiers: MedGen C1840365, MONDO:0020485, OMIM 619542.
Malignant hyperthermia, susceptibility to, 1 (MHS1). Also called: Malignant hyperthermia suceptibility 1; Anesthesia related hyperthermia; Malignant hyperpyrexia; Fulminating hyperpyrexia; Pharmacogenic myopathy; RYR1-Related Malignant Hyperthermia Susceptibility. Identifiers: Orphanet 423, MedGen C2930980, MONDO:0007783, OMIM 145600.
RYR1-related disorder. Also called: RYR1-related disorders; RYR1-related condition. Identifiers: MedGen CN239331.

Allele frequency attached by ClinVar (database versions not stated): gnomAD below 0.00001 and 0.00001; gnomAD exomes 0.00001 and 0.00002; ExAC 0.00002; 1000 Genomes Project 30x 0.00016; 1000 Genomes Project 0.00020.
gnomAD v4.1: 12 of 1,614,146 alleles (0.00074%); highest among the groups gnomAD compares: South Asian, 0.012%; no homozygotes.

Submissions (10):

CeGaT Center for Human Genetics Tuebingen
Classification: Uncertain significance. Last evaluated: 2026-06-01. Review status: criteria provided, single submitter. Criteria: CeGaT Center For Human Genetics Tuebingen Variant Classification Criteria Version 2. Collection method: clinical testing. Allele origin: germline. Affected: yes. Observed: 1 variant allele.
Comment: RYR1: PM2, PM3:Supporting, PP3

Color Diagnostics, LLC DBA Color Health
Classification: Uncertain significance for Malignant hyperthermia, susceptibility to, 1. Last evaluated: 2025-09-05. Review status: criteria provided, single submitter. Criteria: ACMG Guidelines, 2015. Collection method: clinical testing. Allele origin: germline.
Comment: This missense variant replaces glycine with aspartic acid at codon 1165 of the RYR1 protein. Computational prediction suggests that this variant may have deleterious impact on protein structure and function. To our knowledge, functional studies have not been reported for this variant. This variant has not been reported in individuals affected with autosomal dominant malignant hyperthermia in the literature. This variant has been identified in 5/251484 chromosomes in the general population by the Genome Aggregation Database (gnomAD). This variant has not been reported in individuals affected with autosomal dominant malignant hyperthermia in the literature, although it is associated with other phenotype(s) (ClinVar variation ID: 159843). Due to insufficient evidence, this variant is classified as a Variant of Uncertain Significance for autosomal dominant malignant hyperthermia.

GeneDx
Classification: Likely pathogenic. Last evaluated: 2025-04-22. Review status: criteria provided, single submitter. Criteria: GeneDx Variant Classification Process June 2021. Collection method: clinical testing. Allele origin: germline.
Comment: Identified with a second RYR1 variant in a patient with congenital myopathy, but segregation data is limited and it is unknown whether this individual was screened for variants in other genes associated with myopathy (PMID: 21911697); In silico analysis supports that this missense variant has a deleterious effect on protein structure/function; This variant is associated with the following publications: (PMID: 25370123, 31951399, 22473935, 32899693, 35693006, 21911697, 35081925, 38968056)

Labcorp Genetics (formerly Invitae), Labcorp
Classification: Pathogenic for RYR1-related disorder. Last evaluated: 2024-07-17. Review status: criteria provided, single submitter. Criteria: Invitae Variant Classification Sherloc (09022015). Collection method: clinical testing. Allele origin: germline.
Comment: This sequence change replaces glycine, which is neutral and non-polar, with aspartic acid, which is acidic and polar, at codon 1165 of the RYR1 protein (p.Gly1165Asp). This variant is present in population databases (rs559581937, gnomAD 0.02%). This missense change has been observed in individuals with clinical features of autosomal recessive RYR1-related myopathy (PMID: 21911697, 35693006; Invitae). ClinVar contains an entry for this variant (Variation ID: 159843). Advanced modeling of protein sequence and biophysical properties (such as structural, functional, and spatial information, amino acid conservation, physicochemical variation, residue mobility, and thermodynamic stability) performed at Invitae indicates that this missense variant is expected to disrupt RYR1 protein function with a positive predictive value of 95%. For these reasons, this variant has been classified as Pathogenic.

Fulgent Genetics
Classification: Likely pathogenic for Central core myopathy; Malignant hyperthermia, susceptibility to, 1; Congenital multicore myopathy with external ophthalmoplegia; King Denborough syndrome. Last evaluated: 2024-06-22. Review status: criteria provided, single submitter. Criteria: ACMG Guidelines, 2015. Collection method: clinical testing. Allele origin: germline.

Neuberg Centre For Genomic Medicine, NCGM
Classification: Uncertain significance for Congenital multicore myopathy with external ophthalmoplegia. Last evaluated: 2024-02-01. Review status: criteria provided, single submitter. Criteria: ACMG Guidelines, 2015. Collection method: clinical testing. Allele origin: germline. Inheritance: Autosomal recessive inheritance.
Comment: The missense variant c.3494G>A (p.Gly1165Asp) in RYR1 gene has been previously reported in compound heterozygous state in individual(s) affected with congenital myopathy (Chang et al., 2022). Patients with recessive RYR1- related non-core myopathies usually had a combination of a null variation and a missense variation. Additional functional studies will be required to prove the pathogenicity of this variant conclusively.

Athena Diagnostics
Classification: Uncertain significance. Last evaluated: 2021-11-09. Review status: criteria provided, single submitter. Criteria: Athena Diagnostics Criteria. Collection method: clinical testing. Allele origin: unknown.

Revvity Omics, Revvity
Classification: Uncertain significance. Last evaluated: 2020-02-24. Review status: criteria provided, single submitter. Criteria: ACMG Guidelines, 2015. Collection method: clinical testing. Allele origin: germline.

Genetic Services Laboratory, University of Chicago
Classification: Uncertain significance. Last evaluated: 2014-01-02. Review status: criteria provided, single submitter. Criteria: ACMG Guidelines, 2007. Collection method: clinical testing. Allele origin: germline. Inheritance: Autosomal unknown.

Neuberg Centre For Genomic Medicine, NCGM
Classification: Uncertain significance for Central core myopathy. Review status: criteria provided, single submitter. Criteria: ACMG Guidelines, 2015. Collection method: clinical testing. Allele origin: germline. Inheritance: Autosomal dominant inheritance. Affected: yes.
Comment: The missense variant c.3494G>A (p.Gly1165Asp) in RYR1 gene has been observed in individual(s) with clinical features of congenital myopathy (Klein A et.al.,2011). This variant has been reported to the ClinVar database as Uncertain Significance. The p.Gly1165Asp variant is novel (not in any individuals) in 1000 Genomes and allele frequency of 0.001988% is reported in gnomAD. The amino acid Gly at position 1165 is changed to a Asp changing protein sequence and it might alter its composition and physico-chemical properties. The variant is predicted to be damaging by both SIFT and PolyPhen2. The residue is conserved across species. The amino acid change p.Gly1165Asp in RYR1 is predicted as conserved by GERP++ and PhyloP across 100 vertebrates. For these reasons, this variant has been classified as Uncertain Significance .

Literature cited by the submitters: PubMed 21911697 (cited by Labcorp Genetics (formerly Invitae), Labcorp and Athena Diagnostics); PubMed 35693006 (cited by Labcorp Genetics (formerly Invitae), Labcorp); PubMed 25370123 (cited by Athena Diagnostics).

NM_000540.3(RYR1):c.3494G>A (p.Gly1165Asp)

Gene: RYR1 (ryanodine receptor 1; plus strand). Cytogenetic location: 19q13.2.
Variant type: single nucleotide variant.
Coding change: c.3494G>A on transcript NM_000540.3 (MANE Select); coding-DNA position 3494, G replaced by A.
Protein change: p.Gly1165Asp; replaces glycine 1165 with aspartic acid.
Molecular consequence: missense variant.
Genome position (GRCh38, 1-based): chr19:38,469,078, G>A. VCF-style: chr19-38469078-G-A. GRCh37 (hg19) VCF-style: chr19-38959718-G-A.
Other names: c.3494G>A, p.Gly1165Asp (NM_001042723.2); short protein forms G1165D.
Identifiers: ClinVar variation 159843 (VCV000159843.26), dbSNP rs559581937, ClinGen allele CA024401.